The following is an entry in ClinVar:

NM_153704.6(TMEM67):c.304G>C (p.Glu102Gln)

Gene: TMEM67 (transmembrane protein 67; plus strand). Cytogenetic location: 8q22.1.
Variant type: single nucleotide variant.
Coding change: c.304G>C on transcript NM_153704.6 (MANE Select); coding-DNA position 304, G replaced by C.
Protein change: p.Glu102Gln; replaces glutamic acid 102 with glutamine.
Molecular consequence: missense variant. On other transcripts: non-coding transcript variant (1), intron variant (1).
Genome position (GRCh38, 1-based): chr8:93,755,858, G>C. VCF-style: chr8-93755858-G-C. GRCh37 (hg19) VCF-style: chr8-94768086-G-C.
Other names: c.-62+721G>C (NM_001142301.1); short protein forms E102Q.
Identifiers: ClinVar variation 4990473 (VCV004990473.1).

ClinVar aggregate classification (germline): Uncertain significance (1 of 4 stars; one submission).

Conditions:
TMEM67-related disorder. Also called: TMEM67-related disorders; TMEM67-related condition. Identifiers: MedGen CN239423.

gnomAD v4.1: 1 of 1,559,016 alleles (0.000064%); no homozygotes.

Submission:

PreventionGenetics, part of Exact Sciences
Classification: Uncertain significance for TMEM67-related condition. Last evaluated: 2025-04-30. Review status: criteria provided, single submitter. Criteria: ACMG Guidelines, 2015. Collection method: clinical testing. Allele origin: germline.
Comment: The TMEM67 c.304G>C variant is predicted to result in the amino acid substitution p.Glu102Gln. To our knowledge, this variant has not been reported in the literature or in a large population database (gnomAD), indicating this variant is rare. At this time, the clinical significance of this variant is uncertain due to the absence of conclusive functional and genetic evidence.